The following is an entry in ClinVar:

NM_006129.5(BMP1):c.1306G>A (p.Gly436Arg)

Genes: BMP1 (bone morphogenetic protein 1; plus strand), LOC113788269 (BRD4-independent group 4 enhancer GRCh37_chr8:22052064-22053263; plus strand). Cytogenetic location: 8p21.3.
Variant type: single nucleotide variant.
Coding change: c.1306G>A on transcript NM_006129.5 (MANE Select); coding-DNA position 1306, G replaced by A.
Protein change: p.Gly436Arg; replaces glycine 436 with arginine.
Molecular consequence: missense variant. On other transcripts: non-coding transcript variant (2).
Genome position (GRCh38, 1-based): chr8:22,194,453, G>A. VCF-style: chr8-22194453-G-A. GRCh37 (hg19) VCF-style: chr8-22051966-G-A.
Other names: c.1306G>A, p.Gly436Arg (NM_001199.4); short protein forms G436R.
Identifiers: ClinVar variation 502438 (VCV000502438.7), dbSNP rs768374444, ClinGen allele CA4664639.

ClinVar aggregate classification (germline): Uncertain significance. Review status: criteria provided, multiple submitters, no conflicts (2 of 4 stars). 2 submissions from 2 submitters: Uncertain significance (2). Last evaluated 2022-03-18.

Allele frequency attached by ClinVar (database versions not stated): TOPMed below 0.00001; gnomAD 0.00001; ExAC 0.00002; gnomAD exomes 0.00001.
gnomAD v4.1: 11 of 1,613,934 alleles (0.00068%); highest among the groups gnomAD compares: Middle Eastern, 0.033%; no homozygotes.

Submissions (2):

Labcorp Genetics (formerly Invitae), Labcorp
Classification: Uncertain significance. Last evaluated: 2022-03-18. Review status: criteria provided, single submitter. Criteria: Invitae Variant Classification Sherloc (09022015). Collection method: clinical testing. Allele origin: germline.
Comment: This sequence change replaces glycine, which is neutral and non-polar, with arginine, which is basic and polar, at codon 436 of the BMP1 protein (p.Gly436Arg). This variant is present in population databases (rs768374444, gnomAD 0.002%). This variant has not been reported in the literature in individuals affected with BMP1-related conditions. ClinVar contains an entry for this variant (Variation ID: 502438). Algorithms developed to predict the effect of missense changes on protein structure and function (SIFT, PolyPhen-2, Align-GVGD) all suggest that this variant is likely to be disruptive. In summary, the available evidence is currently insufficient to determine the role of this variant in disease. Therefore, it has been classified as a Variant of Uncertain Significance.

Eurofins Ntd Llc (ga)
Classification: Uncertain significance. Last evaluated: 2017-06-07. Review status: criteria provided, single submitter. Criteria: EGL Classification Definitions 2015. Collection method: clinical testing. Allele origin: germline. Observed: 1 variant allele, 1 heterozygote.